The following is an entry in ClinVar:

NM_015122.3(FCHO1):c.2427-3C>G

Gene: FCHO1 (FCH and mu domain containing endocytic adaptor 1; plus strand). Cytogenetic location: 19p13.11.
Variant type: single nucleotide variant.
Coding change: c.2427-3C>G on transcript NM_015122.3 (MANE Select); 3 bases into the intron before coding-DNA position 2427, C replaced by G.
Molecular consequence: intron variant.
Genome position (GRCh38, 1-based): chr19:17,786,571, C>G. VCF-style: chr19-17786571-C-G. GRCh37 (hg19) VCF-style: chr19-17897380-C-G.
Other names: c.2427-3C>G (NM_001384370.1, NM_001384376.1, NM_001384375.1 and 11 more transcripts); c.2151-3C>G (NM_001384396.1, NM_001384398.1, NM_001384400.1 and 4 more transcripts); c.1951-3C>G (NM_001384404.1); c.2352-3C>G (NM_001384390.1); c.1801-3C>G (NM_001384406.1); c.1524-3C>G (NM_001384407.1); c.2227-3C>G (NM_001384391.1); c.2310-3C>G (NM_001384393.1, NM_001384394.1, NM_001384392.1 and 1 more transcripts); and 5 more.
Identifiers: ClinVar variation 1360891 (VCV001360891.6), dbSNP rs2147524384, ClinGen allele CA2573156170.
Genomic context (GRCh38, chr19:17,786,571, plus strand): 5'-CAGGACCCTGGGCTCTCAGCATCCTCTCTGGGGAAGCCCTGATTAAGATTCTTTCTCTGC[C>G]AGGAACCTGGAGGAGAAGCGGCTCACTTGGAGGCTTCCAGATGTGTCCGAGGCAGGCGGT-3'

ClinVar aggregate classification (germline): Uncertain significance (1 of 4 stars; one submission).

Submission:

Labcorp Genetics (formerly Invitae), Labcorp
Classification: Uncertain significance. Last evaluated: 2021-06-13. Review status: criteria provided, single submitter. Criteria: Invitae Variant Classification Sherloc (09022015). Collection method: clinical testing. Allele origin: germline.
Comment: In summary, the available evidence is currently insufficient to determine the role of this variant in disease. Therefore, it has been classified as a Variant of Uncertain Significance. Nucleotide substitutions within the consensus splice site are a relatively common cause of aberrant splicing (PMID: 17576681, 9536098). Algorithms developed to predict the effect of sequence changes on RNA splicing suggest that this variant may disrupt the consensus splice site, but this prediction has not been confirmed by published transcriptional studies. This variant has not been reported in the literature in individuals with FCHO1-related conditions. This variant is not present in population databases (ExAC no frequency). This sequence change falls in intron 26 of the FCHO1 gene. It does not directly change the encoded amino acid sequence of the FCHO1 protein. It affects a nucleotide within the consensus splice site of the intron.

Literature cited by the submitters: PubMed 17576681; PubMed 9536098.